The following is an entry in ClinVar:

NM_024675.4(PALB2):c.155_157del (p.Val52del)

Gene: PALB2 (partner and localizer of BRCA2; minus strand). Cytogenetic location: 16p12.2.
Variant type: Deletion.
Coding change: c.155_157del on transcript NM_024675.4 (MANE Select); coding-DNA positions 155 to 157, 3 bases deleted (TAG; older notation c.155_157delTAG).
Protein change: p.Val52del; deletes valine 52.
Molecular consequence: inframe deletion. On other transcripts: 5 prime UTR variant (8), intron variant (3), inframe indel (1).
Genome position (GRCh38, 1-based): chr16:23,637,904-23,637,906, CTA deleted on the plus strand (TAG on the coding strand, the reverse complement: PALB2 is on the minus strand); deleting any 3 consecutive bases within chr16:23,637,904-23,637,908 gives the same sequence; the c. name uses the placement nearest the transcript's 3' end. VCF-style (leftmost placement, unchanged base first): chr16-23637903-TCTA-T. GRCh37 (hg19) VCF-style: chr16-23649224-TCTA-T.
Other names: c.-731_-729del (NM_001407310.1, NM_001407311.1, NM_001407304.1 and 5 more transcripts); c.48+3204_48+3206del (NM_001407314.1); c.-105+3204_-105+3206del (NM_001407313.1, NM_001407312.1); c.95_97del, p.Val32del (NM_001407296.1); c.155_157del, p.Val52del (NM_001407297.1, NM_001407298.1, NM_001407299.1 and 3 more transcripts); c.155_157delTAG (NM_024675.3); short protein forms V32del, V52del.
Identifiers: ClinVar variation 3227991 (VCV003227991.1), dbSNP rs2506535060, ClinGen allele CA2825002433.

ClinVar aggregate classification (germline): Uncertain significance (1 of 4 stars; one submission).

Conditions:
Hereditary cancer-predisposing syndrome. Also called: Neoplastic Syndromes, Hereditary; Tumor predisposition; Hereditary neoplastic syndrome; Hereditary Cancer Syndrome. Identifiers: Orphanet 140162, MedGen C0027672, MeSH D009386, MONDO:0015356.

Submission:

Ambry Genetics
Classification: Uncertain significance for Hereditary cancer-predisposing syndrome. Last evaluated: 2023-12-18. Review status: criteria provided, single submitter. Criteria: Ambry Variant Classification Scheme 2023. Collection method: clinical testing. Allele origin: germline.
Comment: The c.155_157delTAG variant (also known as p.V52del) is located in coding exon 3 of the PALB2 gene. This variant results from an in-frame TAG deletion at nucleotide positions 155 to 157. This results in the in-frame deletion of a valine at codon 52. This amino acid position is not well conserved in available vertebrate species. In addition, the in silico prediction for this alteration is inconclusive (Choi Y et al. PLoS ONE. 2012; 7(10):e46688). Since supporting evidence is limited at this time, the clinical significance of this alteration remains unclear.